The following is an entry in ClinVar:

ClinVar aggregate classification (germline): Uncertain significance (1 of 4 stars; one submission).

Submission:

GeneDx
Classification: Uncertain significance. Last evaluated: 2022-04-03. Review status: criteria provided, single submitter. Criteria: GeneDx Variant Classification Process June 2021. Collection method: clinical testing. Allele origin: germline. Affected: yes.
Comment: Not observed at significant frequency in large population cohorts (gnomAD); In silico analysis supports that this missense variant has a deleterious effect on protein structure/function; Has not been previously published as pathogenic or benign to our knowledge

NM_004408.4(DNM1):c.1324T>C (p.Cys442Arg)

Gene: DNM1 (dynamin 1; plus strand). Cytogenetic location: 9q34.11.
Variant type: single nucleotide variant.
Coding change: c.1324T>C on transcript NM_004408.4 (MANE Select); coding-DNA position 1324, T replaced by C.
Protein change: p.Cys442Arg; replaces cysteine 442 with arginine.
Molecular consequence: missense variant. On other transcripts: intron variant (3).
Genome position (GRCh38, 1-based): chr9:128,224,378, T>C. VCF-style: chr9-128224378-T-C. GRCh37 (hg19) VCF-style: chr9-130986657-T-C.
Other names: c.1324T>C, p.Cys442Arg (NM_001005336.3, NM_001374269.1); c.1196+1518T>C (NM_001288738.2, NM_001288737.2, NM_001288739.2); short protein forms C442R.
Identifiers: ClinVar variation 1707843 (VCV001707843.2), dbSNP rs2539005324, ClinGen allele CA375018979.